The following is an entry in ClinVar:

ClinVar aggregate classification (germline): Uncertain significance. Review status: criteria provided, multiple submitters, no conflicts (2 of 4 stars). 2 submissions from 2 submitters: Uncertain significance (2). Last evaluated 2025-09-11.

Conditions:
Hypertrophic cardiomyopathy. Also called: HYPERTROPHIC MYOCARDIOPATHY. Identifiers: Orphanet 217569, MedGen C0007194, MeSH D002312, MONDO:0005045, HP:0001639.

Allele frequency attached by ClinVar (database versions not stated): gnomAD exomes 0.00001; TOPMed 0.00001; ExAC 0.00004.
gnomAD v4.1: 13 of 1,612,024 alleles (0.00081%); highest among the groups gnomAD compares: Admixed American, 0.005%; no homozygotes.

Submissions (2):

Ambry Genetics
Classification: Uncertain significance. Last evaluated: 2025-09-11. Review status: criteria provided, single submitter. Criteria: Ambry Variant Classification Scheme 2023. Collection method: clinical testing. Allele origin: germline.

Labcorp Genetics (formerly Invitae), Labcorp
Classification: Uncertain significance for Hypertrophic cardiomyopathy. Last evaluated: 2024-12-09. Review status: criteria provided, single submitter. Criteria: Invitae Variant Classification Sherloc (09022015). Collection method: clinical testing. Allele origin: germline.
Comment: This sequence change replaces alanine, which is neutral and non-polar, with valine, which is neutral and non-polar, at codon 1021 of the MYOM1 protein (p.Ala1021Val). This variant is present in population databases (rs777957115, gnomAD 0.007%). This variant has not been reported in the literature in individuals affected with MYOM1-related conditions. ClinVar contains an entry for this variant (Variation ID: 1799385). Invitae Evidence Modeling of protein sequence and biophysical properties (such as structural, functional, and spatial information, amino acid conservation, physicochemical variation, residue mobility, and thermodynamic stability) indicates that this missense variant is not expected to disrupt MYOM1 protein function with a negative predictive value of 80%. In summary, the available evidence is currently insufficient to determine the role of this variant in disease. Therefore, it has been classified as a Variant of Uncertain Significance.

NM_003803.4(MYOM1):c.3062C>T (p.Ala1021Val)

Gene: MYOM1 (myomesin 1; minus strand). Cytogenetic location: 18p11.31.
Variant type: single nucleotide variant.
Coding change: c.3062C>T on transcript NM_003803.4 (MANE Select); coding-DNA position 3062, C replaced by T.
Protein change: p.Ala1021Val; replaces alanine 1021 with valine.
Molecular consequence: missense variant.
Genome position (GRCh38, 1-based): chr18:3,119,925, G>A on the plus strand (C>T on the coding strand, the complement: MYOM1 is on the minus strand). VCF-style: chr18-3119925-G-A. GRCh37 (hg19) VCF-style: chr18-3119923-G-A.
Other names: c.2774C>T, p.Ala925Val (NM_019856.2); short protein forms A1021V, A925V.
Identifiers: ClinVar variation 1799385 (VCV001799385.5), dbSNP rs777957115, ClinGen allele CA8874437.